The following is an entry in ClinVar:

ClinVar aggregate classification (germline): Benign. Review status: criteria provided, single submitter (1 of 4 stars). 2 submissions from 2 submitters: Benign (1). 1 of the submissions does not count toward it. Last evaluated 2026-01-13.

Conditions:
SIAE-related disorder. Also called: SIAE-related condition.

Allele frequency attached by ClinVar (database versions not stated): gnomAD 0.00001 and 0.00088; TOPMed 0.00016; ExAC 0.00356; 1000 Genomes Project 0.00619; 1000 Genomes Project 30x 0.00625.
gnomAD v4.1: 2,286 of 1,614,160 alleles (0.14%); highest among the groups gnomAD compares: South Asian, 2.3%; 37 homozygotes.

Submissions (2):

Labcorp Genetics (formerly Invitae), Labcorp
Classification: Benign. Last evaluated: 2026-01-13. Review status: criteria provided, single submitter. Criteria: Invitae Variant Classification Sherloc (09022015). Collection method: clinical testing. Allele origin: germline.

PreventionGenetics, part of Exact Sciences
Classification: Benign for SIAE-related condition. Last evaluated: 2024-02-22. Review status: no assertion criteria provided. Collection method: clinical testing. Allele origin: germline. Not counted in ClinVar's aggregate classification.
Comment: This variant is classified as benign based on ACMG/AMP sequence variant interpretation guidelines (Richards et al. 2015 PMID: 25741868, with internal and published modifications).

NM_170601.5(SIAE):c.633C>T (p.Ile211=)

Gene: SIAE (sialic acid acetylesterase; minus strand). Cytogenetic location: 11q24.2.
Variant type: single nucleotide variant.
Coding change: c.633C>T on transcript NM_170601.5 (MANE Select); coding-DNA position 633, C replaced by T.
Protein change: p.Ile211=; no amino-acid change (isoleucine 211 retained).
Molecular consequence: synonymous variant.
Genome position (GRCh38, 1-based): chr11:124,649,708, G>A on the plus strand (C>T on the coding strand, the complement: SIAE is on the minus strand). VCF-style: chr11-124649708-G-A. GRCh37 (hg19) VCF-style: chr11-124519604-G-A.
Other names: c.528C>T, p.Ile176= (NM_001199922.2); c.633C>T (NM_170601.4).
Identifiers: ClinVar variation 1165882 (VCV001165882.11), dbSNP rs530808094, ClinGen allele CA6341457.